The following is an entry in ClinVar:

ClinVar aggregate classification (germline): Uncertain significance. Review status: criteria provided, multiple submitters, no conflicts (2 of 4 stars). 2 submissions from 2 submitters: Uncertain significance (2). Last evaluated 2024-11-11.

Conditions:
Kleefstra syndrome 1 (KLEFS1). Identifiers: Orphanet 261494, MedGen C0795833, MONDO:0027407, OMIM 610253.

gnomAD v4.1: 1 of 1,598,002 alleles (0.000063%); highest among the groups gnomAD compares: Non-Finnish European, 0.000085%; no homozygotes.

Submissions (2):

Labcorp Genetics (formerly Invitae), Labcorp
Classification: Uncertain significance for Kleefstra syndrome 1. Last evaluated: 2024-11-11. Review status: criteria provided, single submitter. Criteria: Invitae Variant Classification Sherloc (09022015). Collection method: clinical testing. Allele origin: germline.
Comment: This sequence change replaces alanine, which is neutral and non-polar, with serine, which is neutral and polar, at codon 43 of the EHMT1 protein (p.Ala43Ser). This variant is not present in population databases (gnomAD no frequency). This variant has not been reported in the literature in individuals affected with EHMT1-related conditions. ClinVar contains an entry for this variant (Variation ID: 1683719). An algorithm developed to predict the effect of missense changes on protein structure and function (PolyPhen-2) suggests that this variant is likely to be tolerated. In summary, the available evidence is currently insufficient to determine the role of this variant in disease. Therefore, it has been classified as a Variant of Uncertain Significance.

Laboratorio de Genetica e Diagnostico Molecular, Hospital Israelita Albert Einstein
Classification: Uncertain significance for Kleefstra syndrome 1. Last evaluated: 2021-06-21. Review status: criteria provided, single submitter. Criteria: ACMG Guidelines, 2015. Collection method: clinical testing. Allele origin: germline. Affected: yes.
Comment: ACMG classification criteria: PM2 moderate, BP4 supporting

NM_024757.5(EHMT1):c.127G>T (p.Ala43Ser)

Gene: EHMT1 (euchromatic histone lysine methyltransferase 1; plus strand). Cytogenetic location: 9q34.3.
Variant type: single nucleotide variant.
Coding change: c.127G>T on transcript NM_024757.5 (MANE Select); coding-DNA position 127, G replaced by T.
Protein change: p.Ala43Ser; replaces alanine 43 with serine.
Molecular consequence: missense variant.
Genome position (GRCh38, 1-based): chr9:137,716,667, G>T. VCF-style: chr9-137716667-G-T. GRCh37 (hg19) VCF-style: chr9-140611119-G-T.
Other names: c.34G>T, p.Ala12Ser (NM_001354259.2, NM_001354612.2); c.127G>T, p.Ala43Ser (NM_001354263.2, NM_001354611.2, NM_001145527.2); short protein forms A12S, A43S.
Identifiers: ClinVar variation 1683719 (VCV001683719.4), dbSNP rs780901561, ClinGen allele CA375762350.